The following is an entry in ClinVar:

NM_138694.4(PKHD1):c.8048G>A (p.Gly2683Asp)

Gene: PKHD1 (PKHD1 ciliary IPT domain containing fibrocystin/polyductin; minus strand). Cytogenetic location: 6p12.2.
Variant type: single nucleotide variant.
Coding change: c.8048G>A on transcript NM_138694.4 (MANE Select); coding-DNA position 8048, G replaced by A.
Protein change: p.Gly2683Asp; replaces glycine 2683 with aspartic acid.
Molecular consequence: missense variant.
Genome position (GRCh38, 1-based): chr6:51,847,834, C>T on the plus strand (G>A on the coding strand, the complement: PKHD1 is on the minus strand). VCF-style: chr6-51847834-C-T. GRCh37 (hg19) VCF-style: chr6-51712632-C-T.
Other names: c.8048G>A, p.Gly2683Asp (NM_170724.3); short protein forms G2683D.
Identifiers: ClinVar variation 3625366 (VCV003625366.1).

ClinVar aggregate classification (germline): Uncertain significance (1 of 4 stars; one submission).

Conditions:
Autosomal recessive polycystic kidney disease (ARPKD). Also called: AR polycystic kidney disease. Identifiers: Orphanet 731, Orphanet 8378, MedGen C0085548, MeSH D017044, MONDO:0009889.

gnomAD v4.1: 73 of 1,614,054 alleles (0.0045%); highest among the groups gnomAD compares: Admixed American, 0.01%; no homozygotes.

Submission:

Labcorp Genetics (formerly Invitae), Labcorp
Classification: Uncertain significance for Autosomal recessive polycystic kidney disease. Last evaluated: 2024-07-31. Review status: criteria provided, single submitter. Criteria: Invitae Variant Classification Sherloc (09022015). Collection method: clinical testing. Allele origin: germline.
Comment: This sequence change replaces glycine, which is neutral and non-polar, with aspartic acid, which is acidic and polar, at codon 2683 of the PKHD1 protein (p.Gly2683Asp). This variant is present in population databases (rs141527151, gnomAD 0.02%). This variant has not been reported in the literature in individuals affected with PKHD1-related conditions. Advanced modeling of protein sequence and biophysical properties (such as structural, functional, and spatial information, amino acid conservation, physicochemical variation, residue mobility, and thermodynamic stability) performed at Invitae indicates that this missense variant is not expected to disrupt PKHD1 protein function with a negative predictive value of 95%. In summary, the available evidence is currently insufficient to determine the role of this variant in disease. Therefore, it has been classified as a Variant of Uncertain Significance.